The following is an entry in ClinVar:

ClinVar aggregate classification (germline): Pathogenic (1 of 4 stars; one submission).

Conditions:
STAT3-related early-onset multisystem autoimmune disease. Also called: Autoimmune disease, multisystem, infantile-onset, 1. Identifiers: Orphanet 438159, MedGen C4014795, MONDO:0014414, OMIM 615952.

Allele frequency attached by ClinVar (database versions not stated): gnomAD exomes below 0.00001.
gnomAD v4.1: 2 of 1,613,664 alleles (0.00012%); highest among the groups gnomAD compares: Non-Finnish European, 0.00017%; no homozygotes.

Submission:

Lupski Lab, Baylor-Hopkins CMG, Baylor College of Medicine
Classification: Pathogenic for STAT3-related early-onset multisystem autoimmune disease. Last evaluated: 2014-10-30. Review status: criteria provided, single submitter. Criteria: Milner et al. (Blood 2015). Collection method: research. Allele origin: inherited. Inheritance: Autosomal dominant inheritance. Affected: yes. Observed: 2 variant alleles, 2 heterozygotes.
Comment: segregates with the phenotype in an affected family

NM_139276.3(STAT3):c.1057G>T (p.Val353Phe)

Gene: STAT3 (signal transducer and activator of transcription 3; minus strand). Cytogenetic location: 17q21.2.
Variant type: single nucleotide variant.
Coding change: c.1057G>T on transcript NM_139276.3 (MANE Select); coding-DNA position 1057, G replaced by T.
Protein change: p.Val353Phe; replaces valine 353 with phenylalanine.
Molecular consequence: missense variant. On other transcripts: intron variant (1).
Genome position (GRCh38, 1-based): chr17:42,331,524, C>A on the plus strand (G>T on the coding strand, the complement: STAT3 is on the minus strand). VCF-style: chr17-42331524-C-A. GRCh37 (hg19) VCF-style: chr17-40483542-C-A.
Other names: c.1057G>T, p.Val353Phe (NM_001369512.1, NM_001369513.1, NM_001369514.1 and 14 more transcripts); c.979G>T, p.Val327Phe (NM_001384985.1); c.961G>T, p.Val321Phe (NM_001384989.1); c.1050-1748G>T (NM_001384992.1); short protein forms V353F, V321F, V327F.
Identifiers: ClinVar variation 224847 (VCV000224847.1), dbSNP rs869312891, ClinGen allele CA357951.